The following is an entry in ClinVar:

ClinVar aggregate classification (germline): Uncertain significance (1 of 4 stars; one submission).

Conditions:
Diamond-Blackfan anemia. Also called: Blackfan Diamond syndrome; Aregenerative anemia chronic congenital; Red cell aplasia, pure hereditary; Congenital hypoplastic anemia; Aase syndrome. Identifiers: Orphanet 124, MedGen C1260899, MeSH D029503, MONDO:0015253, HP:0004810.
GATA binding protein 1 related thrombocytopenia with dyserythropoiesis. Also called: GATA1-Related Cytopenia; GATA1-Related X-Linked Cytopenia. Identifiers: MedGen C1845837, MONDO:0100089.

gnomAD v4.1: 2 of 1,210,055 alleles (0.00017%); no homozygotes.

Submission:

Labcorp Genetics (formerly Invitae), Labcorp
Classification: Uncertain significance for GATA binding protein 1 related thrombocytopenia with dyserythropoiesis; Diamond-Blackfan anemia. Last evaluated: 2023-08-23. Review status: criteria provided, single submitter. Criteria: Invitae Variant Classification Sherloc (09022015). Collection method: clinical testing. Allele origin: germline.
Comment: This sequence change replaces serine, which is neutral and polar, with isoleucine, which is neutral and non-polar, at codon 274 of the GATA1 protein (p.Ser274Ile). This variant is not present in population databases (gnomAD no frequency). This variant has not been reported in the literature in individuals affected with GATA1-related conditions. Advanced modeling of protein sequence and biophysical properties (such as structural, functional, and spatial information, amino acid conservation, physicochemical variation, residue mobility, and thermodynamic stability) performed at Invitae indicates that this missense variant is not expected to disrupt GATA1 protein function. In summary, the available evidence is currently insufficient to determine the role of this variant in disease. Therefore, it has been classified as a Variant of Uncertain Significance.

NM_002049.4(GATA1):c.821G>T (p.Ser274Ile)

Gene: GATA1 (GATA binding protein 1; plus strand). Cytogenetic location: Xp11.23.
Variant type: single nucleotide variant.
Coding change: c.821G>T on transcript NM_002049.4 (MANE Select); coding-DNA position 821, G replaced by T.
Protein change: p.Ser274Ile; replaces serine 274 with isoleucine.
Molecular consequence: missense variant.
Genome position (GRCh38, 1-based): chrX:48,793,248, G>T. VCF-style: chrX-48793248-G-T. GRCh37 (hg19) VCF-style: chrX-48651655-G-T.
Other names: short protein forms S274I.
Identifiers: ClinVar variation 2923447 (VCV002923447.3), dbSNP rs374457234, ClinGen allele CA412871335.
Genomic context (GRCh38, chrX:48,793,248, plus strand): 5'-CAGGTACTCAGTGCACCAACTGCCAGACGACCACCACGACACTGTGGCGGAGAAATGCCA[G>T]TGGGGATCCCGTGTGCAATGCCTGCGGCCTCTACTACAAGCTACACCAGGTGACGCCCTG-3'
Protein context (NP_002040.1, residues 264-284): TTTTLWRRNA[Ser274Ile]GDPVCNACGL